The following is an entry in ClinVar:

ClinVar aggregate classification (germline): Benign. Review status: criteria provided, multiple submitters, no conflicts (2 of 4 stars). 4 submissions from 4 submitters: Benign (3). 1 of the submissions does not count toward it. Last evaluated 2026-01-18.

Conditions:
CDK5RAP2-related disorder. Also called: CDK5RAP2-related condition.

Allele frequency attached by ClinVar (database versions not stated): gnomAD exomes 0.00087 and 0.00235; ExAC 0.00265; gnomAD 0.00860; 1000 Genomes Project 0.00879; 1000 Genomes Project 30x 0.00937; ESP Exome Variant Server 0.00984; TOPMed 0.01005.
gnomAD v4.1: 2,687 of 1,610,654 alleles (0.17%); highest among the groups gnomAD compares: African/African-American, 3.2%; 36 homozygotes.

Submissions (7):

Labcorp Genetics (formerly Invitae), Labcorp
Classification: Benign. Last evaluated: 2026-01-18. Review status: criteria provided, single submitter. Criteria: Invitae Variant Classification Sherloc (09022015). Collection method: clinical testing. Allele origin: germline.

GeneDx
Classification: Benign. Last evaluated: 2018-11-19. Review status: criteria provided, single submitter. Criteria: GeneDx Variant Classification Process June 2021. Collection method: clinical testing. Allele origin: germline. Affected: yes.

Genetic Services Laboratory, University of Chicago
Classification: Benign. Last evaluated: 2013-02-08. Review status: criteria provided, single submitter. Criteria: ACMG Guidelines, 2007. Collection method: clinical testing. Allele origin: germline. Inheritance: Autosomal recessive inheritance.

PreventionGenetics, part of Exact Sciences
Classification: Benign for CDK5RAP2-related condition. Last evaluated: 2019-04-05. Review status: no assertion criteria provided. Collection method: clinical testing. Allele origin: germline. Not counted in ClinVar's aggregate classification.
Comment: This variant is classified as benign based on ACMG/AMP sequence variant interpretation guidelines (Richards et al. 2015 PMID: 25741868, with internal and published modifications).

Dr. Peter K. Rogan Lab, Western University
No classification provided (evidence only). Condition: Clear cell carcinoma of kidney. Review status: no classification provided. Collection method: in vitro. Allele origin: not applicable. Functional consequence: retained intron. Not counted in ClinVar's aggregate classification.

Dr. Peter K. Rogan Lab, Western University
No classification provided (evidence only). Condition: Acute myeloid leukemia. Review status: no classification provided. Collection method: in vitro. Allele origin: not applicable. Functional consequence: retained intron. Not counted in ClinVar's aggregate classification.

Dr. Peter K. Rogan Lab, Western University
No classification provided (evidence only). Condition: Sarcoma. Review status: no classification provided. Collection method: in vitro. Allele origin: not applicable. Functional consequence: retained intron. Not counted in ClinVar's aggregate classification.

NM_018249.6(CDK5RAP2):c.307-4G>A

Gene: CDK5RAP2 (CDK5 regulatory subunit associated protein 2; minus strand). Cytogenetic location: 9q33.2.
Variant type: single nucleotide variant.
Coding change: c.307-4G>A on transcript NM_018249.6 (MANE Select); 4 bases into the intron before coding-DNA position 307, G replaced by A.
Molecular consequence: intron variant.
Genome position (GRCh38, 1-based): chr9:120,545,794, C>T on the plus strand (G>A on the coding strand, the complement: CDK5RAP2 is on the minus strand). VCF-style: chr9-120545794-C-T. GRCh37 (hg19) VCF-style: chr9-123308072-C-T.
Other names: c.307-4G>A (NM_001272039.2, NM_001011649.3).
Identifiers: ClinVar variation 158138 (VCV000158138.23), dbSNP rs7030969, ClinGen allele CA171574.